The following is an entry in ClinVar:

ClinVar aggregate classification (germline): Pathogenic (1 of 4 stars; one submission).

Conditions:
Acromesomelic dysplasia 1, Maroteaux type (AMD1). Also called: ST. HELENA DYSPLASIA; ACROMESOMELIC DYSPLASIA 1. Identifiers: Orphanet 40, MedGen C1864356, MONDO:0011275, OMIM 602875.
Tall stature-scoliosis-macrodactyly of the great toes syndrome. Also called: Epiphyseal chondrodysplasia, miura type. Identifiers: Orphanet 329191, MedGen C4014690, MONDO:0014401, OMIM 615923.

Allele frequency attached by ClinVar (database versions not stated): gnomAD exomes below 0.00001.
gnomAD v4.1: 3 of 1,614,182 alleles (0.00019%); highest among the groups gnomAD compares: Non-Finnish European, 0.00025%; no homozygotes.

Submission:

Labcorp Genetics (formerly Invitae), Labcorp
Classification: Pathogenic for Tall stature-scoliosis-macrodactyly of the great toes syndrome; Acromesomelic dysplasia 1, Maroteaux type. Last evaluated: 2025-08-31. Review status: criteria provided, single submitter. Criteria: Invitae Variant Classification Sherloc (09022015). Collection method: clinical testing. Allele origin: germline.
Comment: This sequence change creates a premature translational stop signal (p.Arg949*) in the NPR2 gene. It is expected to result in an absent or disrupted protein product. Loss-of-function variants in NPR2 are known to be pathogenic (PMID: 15146390, 15572448, 16384845). This variant is present in population databases (no rsID available, gnomAD 0.0009%). This premature translational stop signal has been observed in individual(s) with acromesomelic dysplasia (PMID: 33205215). ClinVar contains an entry for this variant (Variation ID: 1433253). Algorithms developed to predict the effect of sequence changes on RNA splicing suggest that this variant may disrupt the consensus splice site. For these reasons, this variant has been classified as Pathogenic.

Literature cited by the submitters: PubMed 15146390; PubMed 15572448; PubMed 16384845; PubMed 33205215.

NM_003995.4(NPR2):c.2845C>T (p.Arg949Ter)

Genes: NPR2 (natriuretic peptide receptor 2; plus strand), SPAG8 (sperm associated antigen 8; minus strand). Cytogenetic location: 9p13.3.
Variant type: single nucleotide variant.
Coding change: c.2845C>T on transcript NM_003995.4 (MANE Select); coding-DNA position 2845, C replaced by T.
Protein change: p.Arg949Ter; replaces arginine 949 with a stop codon.
Molecular consequence: nonsense. On other transcripts: intron variant (2).
Genome position (GRCh38, 1-based): chr9:35,808,641, C>T. VCF-style: chr9-35808641-C-T. GRCh37 (hg19) VCF-style: chr9-35808638-C-T.
Other names: c.2854C>T, p.Arg952Ter (NM_001378923.1); c.1201-335G>A (NM_001366760.2); c.1373-335G>A (NM_172312.2); short protein forms R952*, R949*.
Identifiers: ClinVar variation 1433253 (VCV001433253.7), dbSNP rs1452208078, ClinGen allele CA373385307.